The following is an entry in ClinVar:

ClinVar aggregate classification (germline): Uncertain significance. Review status: criteria provided, multiple submitters, no conflicts (2 of 4 stars). 3 submissions from 3 submitters: Uncertain significance (3). Last evaluated 2026-06-01.

Allele frequency attached by ClinVar (database versions not stated): gnomAD 0.00001; gnomAD exomes 0.00001; ExAC 0.00003; TOPMed 0.00005.
gnomAD v4.1: 21 of 1,613,882 alleles (0.0013%); highest among the groups gnomAD compares: Admixed American, 0.027%; no homozygotes.

Submissions (3):

CeGaT Center for Human Genetics Tuebingen
Classification: Uncertain significance. Last evaluated: 2026-06-01. Review status: criteria provided, single submitter. Criteria: CeGaT Center For Human Genetics Tuebingen Variant Classification Criteria Version 2. Collection method: clinical testing. Allele origin: germline. Affected: yes. Observed: 1 variant allele.
Comment: DCHS1: PM2, BP4

Labcorp Genetics (formerly Invitae), Labcorp
Classification: Uncertain significance. Last evaluated: 2025-12-09. Review status: criteria provided, single submitter. Criteria: Invitae Variant Classification Sherloc (09022015). Collection method: clinical testing. Allele origin: germline.
Comment: This sequence change replaces arginine, which is basic and polar, with cysteine, which is neutral and slightly polar, at codon 1788 of the DCHS1 protein (p.Arg1788Cys). This variant is present in population databases (rs756637447, gnomAD 0.04%). This variant has not been reported in the literature in individuals affected with DCHS1-related conditions. ClinVar contains an entry for this variant (Variation ID: 2053021). Invitae Evidence Modeling of protein sequence and biophysical properties (such as structural, functional, and spatial information, amino acid conservation, physicochemical variation, residue mobility, and thermodynamic stability) indicates that this missense variant is not expected to disrupt DCHS1 protein function with a negative predictive value of 80%. In summary, the available evidence is currently insufficient to determine the role of this variant in disease. Therefore, it has been classified as a Variant of Uncertain Significance.

GeneDx
Classification: Uncertain significance. Last evaluated: 2023-08-18. Review status: criteria provided, single submitter. Criteria: GeneDx Variant Classification Process June 2021. Collection method: clinical testing. Allele origin: germline. Affected: yes.
Comment: In silico analysis supports that this missense variant has a deleterious effect on protein structure/function; Has not been previously published as pathogenic or benign to our knowledge

NM_003737.4(DCHS1):c.5362C>T (p.Arg1788Cys)

Gene: DCHS1 (dachsous cadherin-related 1; minus strand). Cytogenetic location: 11p15.4.
Variant type: single nucleotide variant.
Coding change: c.5362C>T on transcript NM_003737.4 (MANE Select); coding-DNA position 5362, C replaced by T.
Protein change: p.Arg1788Cys; replaces arginine 1788 with cysteine.
Molecular consequence: missense variant.
Genome position (GRCh38, 1-based): chr11:6,628,630, G>A on the plus strand (C>T on the coding strand, the complement: DCHS1 is on the minus strand). VCF-style: chr11-6628630-G-A. GRCh37 (hg19) VCF-style: chr11-6649861-G-A.
Other names: c.5362C>T (NM_003737.3); short protein forms R1788C.
Identifiers: ClinVar variation 2053021 (VCV002053021.7), dbSNP rs756637447, ClinGen allele CA5860115.